The following is an entry in ClinVar:

NM_134261.3(RORA):c.511G>A (p.Asp171Asn)

Genes: RORA-AS1 (RORA antisense RNA 1; plus strand), RORA (RAR related orphan receptor A; minus strand). Cytogenetic location: 15q22.2.
Variant type: single nucleotide variant.
Coding change: c.511G>A on transcript NM_134261.3 (MANE Select); coding-DNA position 511, G replaced by A.
Protein change: p.Asp171Asn; replaces aspartic acid 171 with asparagine.
Molecular consequence: missense variant.
Genome position (GRCh38, 1-based): chr15:60,511,535, C>T on the plus strand (G>A on the coding strand, the complement: RORA is on the minus strand). VCF-style: chr15-60511535-C-T. GRCh37 (hg19) VCF-style: chr15-60803734-C-T.
Other names: c.586G>A, p.Asp196Asn (NM_002943.4); c.610G>A, p.Asp204Asn (NM_134260.3); c.346G>A, p.Asp116Asn (NM_134262.3); short protein forms D116N, D171N, D196N, D204N.
Identifiers: ClinVar variation 4873421 (VCV004873421.2).

ClinVar aggregate classification (germline): Uncertain significance (1 of 4 stars; one submission).

Submission:

CeGaT Center for Human Genetics Tuebingen
Classification: Uncertain significance. Last evaluated: 2026-05-01. Review status: criteria provided, single submitter. Criteria: CeGaT Center For Human Genetics Tuebingen Variant Classification Criteria Version 2. Collection method: clinical testing. Allele origin: germline. Affected: yes. Observed: 1 variant allele.
Comment: RORA: PP3